The following is an entry in ClinVar:

NM_015338.6(ASXL1):c.74C>T (p.Ser25Leu)

Gene: ASXL1 (ASXL transcriptional regulator 1; plus strand). Cytogenetic location: 20q11.21.
Variant type: single nucleotide variant.
Coding change: c.74C>T on transcript NM_015338.6 (MANE Select); coding-DNA position 74, C replaced by T.
Protein change: p.Ser25Leu; replaces serine 25 with leucine.
Molecular consequence: missense variant.
Genome position (GRCh38, 1-based): chr20:32,366,400, C>T. VCF-style: chr20-32366400-C-T. GRCh37 (hg19) VCF-style: chr20-30954203-C-T.
Other names: c.74C>T, p.Ser25Leu (NM_001164603.1); c.44C>T, p.Ser15Leu (NM_001363734.1); short protein forms S15L, S25L.
Identifiers: ClinVar variation 4588077 (VCV004588077.1).

ClinVar aggregate classification (germline): Uncertain significance (1 of 4 stars; one submission).

Conditions:
Inborn genetic diseases. Identifiers: MedGen C0950123, MeSH D030342.

gnomAD v4.1: 2 of 1,613,190 alleles (0.00012%); highest among the groups gnomAD compares: Non-Finnish European, 0.00017%; no homozygotes.

Submission:

Ambry Genetics
Classification: Uncertain significance for Inborn genetic diseases. Last evaluated: 2025-10-23. Review status: criteria provided, single submitter. Criteria: Ambry Variant Classification Scheme 2023. Collection method: clinical testing. Allele origin: germline.
Comment: The p.S25L variant (also known as c.74C>T), located in coding exon 2 of the ASXL1 gene, results from a C to T substitution at nucleotide position 74. The serine at codon 25 is replaced by leucine, an amino acid with dissimilar properties. This amino acid position is conserved. In addition, the in silico prediction for this alteration is inconclusive. Based on the available evidence, the clinical significance of this variant remains unclear.